The following is an entry in ClinVar:

NM_001379286.1(ZNF423):c.1448G>A (p.Gly483Asp)

Gene: ZNF423 (zinc finger protein 423; minus strand). Cytogenetic location: 16q12.1.
Variant type: single nucleotide variant.
Coding change: c.1448G>A on transcript NM_001379286.1 (MANE Select); coding-DNA position 1448, G replaced by A.
Protein change: p.Gly483Asp; replaces glycine 483 with aspartic acid.
Molecular consequence: missense variant.
Genome position (GRCh38, 1-based): chr16:49,637,728, C>T on the plus strand (G>A on the coding strand, the complement: ZNF423 is on the minus strand). VCF-style: chr16-49637728-C-T. GRCh37 (hg19) VCF-style: chr16-49671639-C-T.
Other names: c.1244G>A, p.Gly415Asp (NM_001271620.2); c.1073G>A, p.Gly358Asp (NM_001330533.2); c.1424G>A, p.Gly475Asp (NM_015069.5); short protein forms G483D, G415D, G475D, G358D.
Identifiers: ClinVar variation 1046571 (VCV001046571.4), dbSNP rs774043219, ClinGen allele CA8046678.

ClinVar aggregate classification (germline): Uncertain significance (1 of 4 stars; one submission).

Conditions:
Nephronophthisis 14 (NPHP14). Identifiers: Orphanet 2318, MedGen C3539071, MONDO:0013916, OMIM 614844.

Allele frequency attached by ClinVar (database versions not stated): gnomAD exomes below 0.00001; TOPMed below 0.00001; ExAC 0.00002.
gnomAD v4.1: 1 of 1,614,110 alleles (0.000062%); highest among the groups gnomAD compares: Admixed American, 0.0017%; no homozygotes.

Submission:

Labcorp Genetics (formerly Invitae), Labcorp
Classification: Uncertain significance for Nephronophthisis 14. Last evaluated: 2022-08-09. Review status: criteria provided, single submitter. Criteria: Invitae Variant Classification Sherloc (09022015). Collection method: clinical testing. Allele origin: germline.
Comment: This sequence change replaces glycine, which is neutral and non-polar, with aspartic acid, which is acidic and polar, at codon 475 of the ZNF423 protein (p.Gly475Asp). This variant is present in population databases (rs774043219, gnomAD 0.003%). This variant has not been reported in the literature in individuals affected with ZNF423-related conditions. ClinVar contains an entry for this variant (Variation ID: 1046571). Algorithms developed to predict the effect of missense changes on protein structure and function are either unavailable or do not agree on the potential impact of this missense change (SIFT: "Deleterious"; PolyPhen-2: "Benign"; Align-GVGD: "Class C0"). In summary, the available evidence is currently insufficient to determine the role of this variant in disease. Therefore, it has been classified as a Variant of Uncertain Significance.